The following is an entry in ClinVar:

NM_001492.6(GDF1):c.431G>A (p.Arg144Gln)

Genes: CERS1 (ceramide synthase 1; minus strand), GDF1 (growth differentiation factor 1; minus strand). Cytogenetic location: 19p13.11.
Variant type: single nucleotide variant.
Coding change: c.431G>A on transcript NM_001492.6 (MANE Select); coding-DNA position 431, G replaced by A.
Protein change: p.Arg144Gln; replaces arginine 144 with glutamine.
Molecular consequence: missense variant. On other transcripts: 3 prime UTR variant (2).
Genome position (GRCh38, 1-based): chr19:18,869,285, C>T on the plus strand (G>A on the coding strand, the complement: GDF1 is on the minus strand). VCF-style: chr19-18869285-C-T. GRCh37 (hg19) VCF-style: chr19-18980094-C-T.
Other names: c.*1292G>A (NM_001387440.1); c.*700G>A (NM_021267.5); c.431G>A, p.Arg144Gln (NM_001387438.1); short protein forms R144Q.
Identifiers: ClinVar variation 2577724 (VCV002577724.1), dbSNP rs771276786, ClinGen allele CA9317930.

ClinVar aggregate classification (germline): Uncertain significance (1 of 4 stars; one submission).

Allele frequency attached by ClinVar (database versions not stated): gnomAD 0.00001; ExAC 0.00011.
gnomAD v4.1: 7 of 1,504,634 alleles (0.00047%); highest among the groups gnomAD compares: African/African-American, 0.0029%; no homozygotes.

Submission:

GeneDx
Classification: Uncertain significance. Last evaluated: 2023-02-23. Review status: criteria provided, single submitter. Criteria: GeneDx Variant Classification Process June 2021. Collection method: clinical testing. Allele origin: germline. Affected: yes.
Comment: In silico analysis supports that this missense variant does not alter protein structure/function; Has not been previously published as pathogenic or benign to our knowledge